The following is an entry in ClinVar:

NM_006662.3(SRCAP):c.7675G>A (p.Ala2559Thr)

Gene: SRCAP (Snf2 related CREBBP activator protein; plus strand). Cytogenetic location: 16p11.2.
Variant type: single nucleotide variant.
Coding change: c.7675G>A on transcript NM_006662.3 (MANE Select); coding-DNA position 7675, G replaced by A.
Protein change: p.Ala2559Thr; replaces alanine 2559 with threonine.
Molecular consequence: missense variant.
Genome position (GRCh38, 1-based): chr16:30,737,715, G>A. VCF-style: chr16-30737715-G-A. GRCh37 (hg19) VCF-style: chr16-30749036-G-A.
Other names: short protein forms A2559T.
Identifiers: ClinVar variation 1717169 (VCV001717169.5), dbSNP rs1253254716, ClinGen allele CA395634089.
Genomic context (GRCh38, chr16:30,737,715, plus strand): 5'-TCAGTCACTAATCTCCCCTTGGGCTTGAGGCCTGAGGCAGAGCTGTGTGCCCAGGCATTG[G>A]CATCTCCAGAGTCCCTGGAGCTGGCTTCTGTGGCCAGTTCAGAAACCTCCTCACTTTCTC-3'
Protein context (NP_006653.2, residues 2549-2569): PEAELCAQAL[Ala2559Thr]SPESLELASV

ClinVar aggregate classification (germline): Uncertain significance (1 of 4 stars; one submission).

Allele frequency attached by ClinVar (database versions not stated): TOPMed below 0.00001; gnomAD 0.00001.
gnomAD v4.1: 1 of 1,614,038 alleles (0.000062%); highest among the groups gnomAD compares: Non-Finnish European, 0.000085%; no homozygotes.

Submission:

Labcorp Genetics (formerly Invitae), Labcorp
Classification: Uncertain significance. Last evaluated: 2022-08-20. Review status: criteria provided, single submitter. Criteria: Invitae Variant Classification Sherloc (09022015). Collection method: clinical testing. Allele origin: germline.
Comment: This variant is not present in population databases (gnomAD no frequency). In summary, the available evidence is currently insufficient to determine the role of this variant in disease. Therefore, it has been classified as a Variant of Uncertain Significance. Algorithms developed to predict the effect of missense changes on protein structure and function are either unavailable or do not agree on the potential impact of this missense change (SIFT: "Deleterious"; PolyPhen-2: "Not Available"; Align-GVGD: "Class C0"). This variant has not been reported in the literature in individuals affected with SRCAP-related conditions. This sequence change replaces alanine, which is neutral and non-polar, with threonine, which is neutral and polar, at codon 2559 of the SRCAP protein (p.Ala2559Thr).